The following is an entry in ClinVar:

NM_017849.4(TMEM127):c.332T>C (p.Phe111Ser)

Gene: TMEM127 (transmembrane protein 127; minus strand). Cytogenetic location: 2q11.2.
Variant type: single nucleotide variant.
Coding change: c.332T>C on transcript NM_017849.4 (MANE Select); coding-DNA position 332, T replaced by C.
Protein change: p.Phe111Ser; replaces phenylalanine 111 with serine.
Molecular consequence: missense variant.
Genome position (GRCh38, 1-based): chr2:96,254,910, A>G on the plus strand (T>C on the coding strand, the complement: TMEM127 is on the minus strand). VCF-style: chr2-96254910-A-G. GRCh37 (hg19) VCF-style: chr2-96920648-A-G.
Other names: c.332T>C, p.Phe111Ser (NM_001193304.3); c.80T>C, p.Phe27Ser (NM_001407282.1, NM_001407283.1); short protein forms F111S, F27S.
Identifiers: ClinVar variation 2415496 (VCV002415496.8), dbSNP rs2104287330, ClinGen allele CA347653427.

ClinVar aggregate classification (germline): Uncertain significance. Review status: criteria provided, multiple submitters, no conflicts (2 of 4 stars). 2 submissions from 2 submitters: Uncertain significance (2). Last evaluated 2024-02-15.

Conditions:
Hereditary cancer-predisposing syndrome. Also called: Neoplastic Syndromes, Hereditary; Tumor predisposition; Hereditary Cancer Syndrome; Hereditary neoplastic syndrome. Identifiers: Orphanet 140162, MedGen C0027672, MeSH D009386, MONDO:0015356.
Hereditary pheochromocytoma and paraganglioma. Also called: Hereditary paragangliomas and pheochromocytomas; Hereditary Paraganglioma-Pheochromocytoma Syndromes; Hereditary pheochromocytoma-paraganglioma. Identifiers: Orphanet 29072, MedGen C4274332, MONDO:0017366.

Submissions (2):

Labcorp Genetics (formerly Invitae), Labcorp
Classification: Uncertain significance for Hereditary pheochromocytoma and paraganglioma. Last evaluated: 2024-02-15. Review status: criteria provided, single submitter. Criteria: Invitae Variant Classification Sherloc (09022015). Collection method: clinical testing. Allele origin: germline.
Comment: This sequence change replaces phenylalanine, which is neutral and non-polar, with serine, which is neutral and polar, at codon 111 of the TMEM127 protein (p.Phe111Ser). This variant is not present in population databases (gnomAD no frequency). This variant has not been reported in the literature in individuals affected with TMEM127-related conditions. ClinVar contains an entry for this variant (Variation ID: 2415496). An algorithm developed to predict the effect of missense changes on protein structure and function (PolyPhen-2) suggests that this variant is likely to be disruptive. In summary, the available evidence is currently insufficient to determine the role of this variant in disease. Therefore, it has been classified as a Variant of Uncertain Significance.

Ambry Genetics
Classification: Uncertain significance for Hereditary cancer-predisposing syndrome. Last evaluated: 2023-06-26. Review status: criteria provided, single submitter. Criteria: Ambry Variant Classification Scheme 2023. Collection method: clinical testing. Allele origin: germline.
Comment: The p.F111S variant (also known as c.332T>C), located in coding exon 2 of the TMEM127 gene, results from a T to C substitution at nucleotide position 332. The phenylalanine at codon 111 is replaced by serine, an amino acid with highly dissimilar properties. This amino acid position is conserved. In addition, this alteration is predicted to be deleterious by in silico analysis. Since supporting evidence is limited at this time, the clinical significance of this alteration remains unclear.